The following is an entry in ClinVar:

ClinVar aggregate classification (germline): Uncertain significance (1 of 4 stars; one submission).

Submission:

GeneDx
Classification: Uncertain significance. Last evaluated: 2019-11-05. Review status: criteria provided, single submitter. Criteria: GeneDx Variant Classification Process June 2021. Collection method: clinical testing. Allele origin: germline. Affected: yes.
Comment: Not observed in large population cohorts (Lek et al., 2016); Frameshift variant predicted to result in protein truncation or nonsense mediated decay in a gene for which loss-of-function is not a known mechanism of disease; Has not been previously published as pathogenic or benign to our knowledge

NM_001112741.2(KCNC1):c.1182del (p.Val395fs)

Gene: KCNC1 (potassium voltage-gated channel subfamily C member 1; plus strand). Cytogenetic location: 11p15.1.
Variant type: Deletion.
Coding change: c.1182del on transcript NM_001112741.2 (MANE Select); coding-DNA position 1182, one base deleted (C; older notation c.1182delC).
Protein change: p.Val395fs; shifts the reading frame from valine 395.
Molecular consequence: frameshift variant.
Genome position (GRCh38, 1-based): chr11:17,772,276, C deleted; the last of 2 consecutive C bases (chr11:17,772,275-17,772,276); deleting either gives the same sequence. VCF-style (leftmost placement, unchanged base first): chr11-17772274-GC-G. GRCh37 (hg19) VCF-style: chr11-17793821-GC-G.
Other names: c.1182del, p.Val395fs (NM_004976.4); short protein forms V395fs.
Identifiers: ClinVar variation 1309508 (VCV001309508.2), dbSNP rs2133805353, ClinGen allele CA2573053471.